The following is an entry in ClinVar:

NM_152743.4(BRAT1):c.1945G>C (p.Glu649Gln)

Gene: BRAT1 (BRCA1 associated ATM activator 1; minus strand). Cytogenetic location: 7p22.3.
Variant type: single nucleotide variant.
Coding change: c.1945G>C on transcript NM_152743.4 (MANE Select); coding-DNA position 1945, G replaced by C.
Protein change: p.Glu649Gln; replaces glutamic acid 649 with glutamine.
Molecular consequence: missense variant. On other transcripts: non-coding transcript variant (1).
Genome position (GRCh38, 1-based): chr7:2,538,590, C>G on the plus strand (G>C on the coding strand, the complement: BRAT1 is on the minus strand). VCF-style: chr7-2538590-C-G. GRCh37 (hg19) VCF-style: chr7-2578224-C-G.
Other names: c.2125G>C, p.Glu709Gln (NM_001350626.2); c.1420G>C, p.Glu474Gln (NM_001350627.2); short protein forms E474Q, E709Q, E649Q.
Identifiers: ClinVar variation 1419354 (VCV001419354.8), dbSNP rs752965856, ClinGen allele CA4127505.
Genomic context (GRCh38, chr7:2,538,590, plus strand): 5'-GCGGCCCCAAAGTCTGGCCCAGGAACACGAGGGCCAGCTCCAGGCCCTGGGCGCGGACCT[C>G]CCAGTCCAGGTCTCGGCTCGCCGCCTGCAGCACAGTGGCCACGAACTGCTCCGTGTCCTG-3'
Protein context (NP_689956.2, residues 639-659): LQAASRDLDW[Glu649Gln]VRAQGLELAL

ClinVar aggregate classification (germline): Uncertain significance (1 of 4 stars; one submission).

Conditions:
Neonatal-onset encephalopathy with rigidity and seizures. Also called: Lethal neonatal spasticity-epileptic encephalopathy syndrome. Identifiers: Orphanet 435845, MedGen C3281029, MONDO:0013784, OMIM 614498.

Allele frequency attached by ClinVar (database versions not stated): gnomAD exomes below 0.00001 and 0.00001; TOPMed below 0.00001; ExAC 0.00001; gnomAD 0.00001.
gnomAD v4.1: 15 of 1,599,516 alleles (0.00094%); highest among the groups gnomAD compares: South Asian, 0.0022%; no homozygotes.

Submission:

Labcorp Genetics (formerly Invitae), Labcorp
Classification: Uncertain significance for Neonatal-onset encephalopathy with rigidity and seizures. Last evaluated: 2022-07-06. Review status: criteria provided, single submitter. Criteria: Invitae Variant Classification Sherloc (09022015). Collection method: clinical testing. Allele origin: germline.
Comment: In summary, the available evidence is currently insufficient to determine the role of this variant in disease. Therefore, it has been classified as a Variant of Uncertain Significance. Algorithms developed to predict the effect of missense changes on protein structure and function (SIFT, PolyPhen-2, Align-GVGD) all suggest that this variant is likely to be disruptive. This sequence change replaces glutamic acid, which is acidic and polar, with glutamine, which is neutral and polar, at codon 649 of the BRAT1 protein (p.Glu649Gln). This variant is present in population databases (rs752965856, gnomAD 0.003%). This variant has not been reported in the literature in individuals affected with BRAT1-related conditions. ClinVar contains an entry for this variant (Variation ID: 1419354).